The following is an entry in ClinVar:

ClinVar aggregate classification (germline): Uncertain significance (1 of 4 stars; one submission).

Conditions:
Malignant hyperthermia, susceptibility to, 1 (MHS1). Also called: Anesthesia related hyperthermia; Malignant hyperpyrexia; Fulminating hyperpyrexia; Pharmacogenic myopathy; RYR1-Related Malignant Hyperthermia Susceptibility; Malignant hyperthermia suceptibility 1. Identifiers: Orphanet 423, MedGen C2930980, MONDO:0007783, OMIM 145600.

gnomAD v4.1: 1 of 1,614,060 alleles (0.000062%); no homozygotes.

Submission:

All of Us Research Program, National Institutes of Health
Classification: Uncertain significance for Malignant hyperthermia, susceptibility to, 1. Last evaluated: 2023-06-26. Review status: criteria provided, single submitter. Criteria: ACMG Guidelines, 2015. Collection method: clinical testing. Allele origin: germline. Inheritance: Autosomal dominant inheritance. Observed: 1 variant allele, 1 heterozygote.
Comment: This missense variant replaces glycine with tryptophan at codon 774 of the RYR1 protein. Computational prediction suggests that this variant may have deleterious impact on protein structure and function (internally defined REVEL score threshold >= 0.7, PMID: 27666373). To our knowledge, functional studies have not been reported for this variant. This variant has not been reported in individuals affected with RYR1-related disorders in the literature. This variant has not been identified in the general population by the Genome Aggregation Database (gnomAD). The available evidence is insufficient to determine the role of this variant in disease conclusively. Therefore, this variant is classified as a Variant of Uncertain Significance.

This study involves interpretation of variants in research participants for the purpose of population health screening. Participant phenotype was not available at the time of variant classification. Additional details can be found in publication PMID: 35346344, PMCID: PMC8962531

NM_000540.3(RYR1):c.2320G>T (p.Gly774Trp)

Gene: RYR1 (ryanodine receptor 1; plus strand). Cytogenetic location: 19q13.2.
Variant type: single nucleotide variant.
Coding change: c.2320G>T on transcript NM_000540.3 (MANE Select); coding-DNA position 2320, G replaced by T.
Protein change: p.Gly774Trp; replaces glycine 774 with tryptophan.
Molecular consequence: missense variant.
Genome position (GRCh38, 1-based): chr19:38,459,298, G>T. VCF-style: chr19-38459298-G-T. GRCh37 (hg19) VCF-style: chr19-38949938-G-T.
Other names: c.2320G>T, p.Gly774Trp (NM_001042723.2); short protein forms G774W.
Identifiers: ClinVar variation 3072186 (VCV003072186.1), dbSNP rs147918857, ClinGen allele CA405628118.